The following is an entry in ClinVar:

ClinVar aggregate classification (germline): Uncertain significance. Review status: criteria provided, multiple submitters, no conflicts (2 of 4 stars). 2 submissions from 2 submitters: Uncertain significance (2). Last evaluated 2025-07-10.

Allele frequency attached by ClinVar (database versions not stated): TOPMed 0.00008; ExAC 0.00009; 1000 Genomes Project 30x 0.00031; ESP Exome Variant Server 0.00008; 1000 Genomes Project 0.00020.
gnomAD v4.1: 103 of 1,614,192 alleles (0.0064%); highest among the groups gnomAD compares: African/African-American, 0.02%; no homozygotes.

Submissions (2):

Labcorp Genetics (formerly Invitae), Labcorp
Classification: Uncertain significance. Last evaluated: 2025-07-10. Review status: criteria provided, single submitter. Criteria: Invitae Variant Classification Sherloc (09022015). Collection method: clinical testing. Allele origin: germline.
Comment: This sequence change replaces valine, which is neutral and non-polar, with isoleucine, which is neutral and non-polar, at codon 335 of the MYLIP protein (p.Val335Ile). This variant is present in population databases (rs201087709, gnomAD 0.02%). This variant has not been reported in the literature in individuals affected with MYLIP-related conditions. ClinVar contains an entry for this variant (Variation ID: 2383102). An algorithm developed to predict the effect of missense changes on protein structure and function (PolyPhen-2) suggests that this variant is likely to be tolerated. In summary, the available evidence is currently insufficient to determine the role of this variant in disease. Therefore, it has been classified as a Variant of Uncertain Significance.

Ambry Genetics
Classification: Uncertain significance. Last evaluated: 2025-05-07. Review status: criteria provided, single submitter. Criteria: Ambry Variant Classification Scheme 2023. Collection method: clinical testing. Allele origin: germline.

NM_013262.4(MYLIP):c.1003G>A (p.Val335Ile)

Gene: MYLIP (myosin regulatory light chain interacting protein; plus strand). Cytogenetic location: 6p22.3.
Variant type: single nucleotide variant.
Coding change: c.1003G>A on transcript NM_013262.4 (MANE Select); coding-DNA position 1003, G replaced by A.
Protein change: p.Val335Ile; replaces valine 335 with isoleucine.
Molecular consequence: missense variant.
Genome position (GRCh38, 1-based): chr6:16,145,072, G>A. VCF-style: chr6-16145072-G-A. GRCh37 (hg19) VCF-style: chr6-16145303-G-A.
Other names: short protein forms V335I.
Identifiers: ClinVar variation 2383102 (VCV002383102.5), dbSNP rs201087709, ClinGen allele CA3644624.